The following is an entry in ClinVar:

NM_015599.3(PGM3):c.114_118del (p.Met39fs)

Gene: PGM3 (phosphoglucomutase 3; minus strand). Cytogenetic location: 6q14.1.
Variant type: Microsatellite.
Coding change: c.114_118del on transcript NM_015599.3 (MANE Select); coding-DNA positions 114 to 118, 5 bases deleted (CATGT; older notation c.114_118delCATGT).
Protein change: p.Met39fs; shifts the reading frame from methionine 39.
Molecular consequence: frameshift variant. On other transcripts: non-coding transcript variant (1), intron variant (1).
Genome position (GRCh38, 1-based): chr6:83,190,895-83,190,899, ACATG deleted on the plus strand (CATGT on the coding strand, the reverse complement: PGM3 is on the minus strand); deleting any 5 consecutive bases within chr6:83,190,895-83,190,905 gives the same sequence; the c. name uses the placement nearest the transcript's 3' end. VCF-style (leftmost placement, unchanged base first): chr6-83190894-AACATG-A. GRCh37 (hg19) VCF-style: chr6-83900613-AACATG-A.
Other names: c.198_202del, p.Met67fs (NM_001199917.2, NM_001367287.1); c.114_118del, p.Met39fs (NM_001199919.2, NM_001367286.1); c.-39-2101_-39-2097del (NM_001199918.2); c.198_202delCATGT (NM_001199917.1); short protein forms M39fs, M67fs.
Identifiers: ClinVar variation 2445918 (VCV002445918.1), dbSNP rs2538234398, ClinGen allele CA2580617303.

ClinVar aggregate classification (germline): Likely pathogenic (1 of 4 stars; one submission).

Conditions:
Severe combined immunodeficiency disease. Also called: Severe combined immunodeficiency; Severe Combined Immune Deficiency. Identifiers: Orphanet 183660, MedGen C0085110, MeSH D016511, MONDO:0015974, HP:0004430. Inheritance: X-Linked or Autosomal recessive.

Submission:

Women's Health and Genetics/Laboratory Corporation of America, LabCorp
Classification: Likely pathogenic for Severe combined immunodeficiency disease. Last evaluated: 2023-02-20. Review status: criteria provided, single submitter. Criteria: LabCorp Variant Classification Summary - May 2015. Collection method: clinical testing. Allele origin: germline.
Comment: Variant summary: PGM3 c.198_202delCATGT (p.Met67SerfsX28) results in a premature termination codon, predicted to cause a truncation of the encoded protein or absence of the protein due to nonsense mediated decay, which are commonly known mechanisms for disease. Truncations downstream of this position have been classified as pathogenic in ClinVar. The variant was absent in 251464 control chromosomes. To our knowledge, no occurrence of c.198_202delCATGT in individuals affected with Severe Combined Immunodeficiency and no experimental evidence demonstrating its impact on protein function have been reported. No clinical diagnostic laboratories have submitted clinical-significance assessments for this variant to ClinVar after 2014. Based on the evidence outlined above, the variant was classified as likely pathogenic.